The following is an entry in ClinVar:

NM_198525.3(KIF7):c.1922+6T>G

Gene: KIF7 (kinesin family member 7; minus strand). Cytogenetic location: 15q26.1.
Variant type: single nucleotide variant.
Coding change: c.1922+6T>G on transcript NM_198525.3 (MANE Select); 6 bases into the intron after coding-DNA position 1922, T replaced by G.
Molecular consequence: intron variant.
Genome position (GRCh38, 1-based): chr15:89,645,887, A>C on the plus strand (T>G on the coding strand, the complement: KIF7 is on the minus strand). VCF-style: chr15-89645887-A-C. GRCh37 (hg19) VCF-style: chr15-90189118-A-C.
Identifiers: ClinVar variation 1477119 (VCV001477119.6), dbSNP rs1334043252, ClinGen allele CA2573151279.

ClinVar aggregate classification (germline): Uncertain significance (1 of 4 stars; one submission).

Conditions:
Acrocallosal syndrome (ACLS). Also called: HALLUX DUPLICATION, POSTAXIAL POLYDACTYLY, AND ABSENCE OF CORPUS CALLOSUM; Schinzel syndrome 1; Absence of corpus callosum with unusual facial appearance, mental deficiency, duplication of the halluces and polydactyly. Identifiers: Orphanet 36, MedGen C0796147, MONDO:0008708, OMIM 200990.

Submission:

Labcorp Genetics (formerly Invitae), Labcorp
Classification: Uncertain significance for Acrocallosal syndrome. Last evaluated: 2021-09-24. Review status: criteria provided, single submitter. Criteria: Invitae Variant Classification Sherloc (09022015). Collection method: clinical testing. Allele origin: germline.
Comment: This sequence change falls in intron 8 of the KIF7 gene. It does not directly change the encoded amino acid sequence of the KIF7 protein. It affects a nucleotide within the consensus splice site of the intron. This variant is not present in population databases (ExAC no frequency). This variant has not been reported in the literature in individuals affected with KIF7-related conditions. Variants that disrupt the consensus splice site are a relatively common cause of aberrant splicing (PMID: 17576681, 9536098). Algorithms developed to predict the effect of sequence changes on RNA splicing suggest that this variant is not likely to affect RNA splicing. In summary, the available evidence is currently insufficient to determine the role of this variant in disease. Therefore, it has been classified as a Variant of Uncertain Significance.

Literature cited by the submitters: PubMed 17576681; PubMed 9536098.